The following is an entry in ClinVar:

ClinVar aggregate classification (germline): Benign/Likely benign. Review status: criteria provided, multiple submitters, no conflicts (2 of 4 stars). 3 submissions from 3 submitters: Benign (1); Likely benign (2). Last evaluated 2026-04-15.

Conditions:
DICER1-related tumor predisposition. Also called: DICER1 syndrome; DICER1-related pleuropulmonary blastoma cancer predisposition syndrome. Identifiers: Orphanet 284343, MedGen C3839822, MONDO:0100216.
Hereditary cancer-predisposing syndrome. Also called: Tumor predisposition; Hereditary Cancer Syndrome; Hereditary neoplastic syndrome; Neoplastic Syndromes, Hereditary. Identifiers: Orphanet 140162, MedGen C0027672, MeSH D009386, MONDO:0015356.

Allele frequency attached by ClinVar (database versions not stated): gnomAD exomes below 0.00001 and 0.00001; TOPMed below 0.00001.
gnomAD v4.1: 3 of 1,614,142 alleles (0.00019%); highest among the groups gnomAD compares: Non-Finnish European, 0.00025%; no homozygotes.

Submissions (3):

Myriad Genetics, Inc.
Classification: Benign for DICER1-related tumor predisposition. Last evaluated: 2026-04-15. Review status: criteria provided, single submitter. Criteria: Myriad Autosomal Dominant, Autosomal Recessive and X-Linked Classification Criteria (2023). Collection method: clinical testing. Allele origin: unknown.
Comment: This variant is considered benign. This variant is a silent/synonymous amino acid change and it is not expected to impact splicing.

Labcorp Genetics (formerly Invitae), Labcorp
Classification: Likely benign for DICER1-related tumor predisposition. Last evaluated: 2025-08-13. Review status: criteria provided, single submitter. Criteria: Invitae Variant Classification Sherloc (09022015). Collection method: clinical testing. Allele origin: germline.

Ambry Genetics
Classification: Likely benign for Hereditary cancer-predisposing syndrome. Last evaluated: 2019-06-05. Review status: criteria provided, single submitter. Criteria: Ambry Variant Classification Scheme 2023. Collection method: clinical testing. Allele origin: germline.

NM_177438.3(DICER1):c.1074A>G (p.Leu358=)

Gene: DICER1 (dicer 1, ribonuclease III; minus strand). Cytogenetic location: 14q32.13.
Variant type: single nucleotide variant.
Coding change: c.1074A>G on transcript NM_177438.3 (MANE Select); coding-DNA position 1074, A replaced by G.
Protein change: p.Leu358=; no amino-acid change (leucine 358 retained).
Molecular consequence: synonymous variant.
Genome position (GRCh38, 1-based): chr14:95,124,498, T>C on the plus strand (A>G on the coding strand, the complement: DICER1 is on the minus strand). VCF-style: chr14-95124498-T-C. GRCh37 (hg19) VCF-style: chr14-95590835-T-C.
Other names: c.1074A>G, p.Leu358= (NM_001195573.1, NM_001271282.3, NM_001291628.2 and 1 more transcripts).
Identifiers: ClinVar variation 818339 (VCV000818339.15), dbSNP rs1293247501, ClinGen allele CA487845575.